The following is an entry in ClinVar:

ClinVar aggregate classification (germline): Benign (1 of 4 stars; one submission).

Conditions:
Episodic ataxia type 6. Identifiers: Orphanet 209967, MedGen C2675211, MONDO:0012982, OMIM 612656.

Allele frequency attached by ClinVar (database versions not stated): gnomAD 0.00069 and 0.00077; 1000 Genomes Project 0.00080; TOPMed 0.00085; 1000 Genomes Project 30x 0.00094; gnomAD exomes 0.00101.
gnomAD v4.1: 228 of 255,790 alleles (0.089%); highest among the groups gnomAD compares: Middle Eastern, 0.74%; 1 homozygote.

Submission:

Illumina Laboratory Services, Illumina
Classification: Benign for Episodic ataxia type 6. Last evaluated: 2018-01-13. Review status: criteria provided, single submitter. Criteria: ICSL Variant Classification Criteria 13 December 2019. Collection method: clinical testing. Allele origin: germline.
Comment: This variant was observed in the ICSL laboratory as part of a predisposition screen in an ostensibly healthy population. It had not been previously curated by ICSL or reported in the Human Gene Mutation Database (HGMD: prior to June 1st, 2018), and was therefore a candidate for classification through an automated scoring system. Utilizing variant allele frequency, disease prevalence and penetrance estimates, and inheritance mode, an automated score was calculated to assess if this variant is too frequent to cause the disease. Based on the score and internal cut-off values, a variant classified as benign is not then subjected to further curation. The score for this variant resulted in a classification of benign for this disease.

NM_004172.5(SLC1A3):c.*465C>T

Genes: SLC1A3 (solute carrier family 1 member 3; plus strand), SLC1A3-AS1 (SLC1A3 antisense RNA 1; minus strand). Cytogenetic location: 5p13.2.
Variant type: single nucleotide variant.
Coding change: c.*465C>T on transcript NM_004172.5 (MANE Select); 465 bases downstream of the stop codon, C replaced by T.
Molecular consequence: 3 prime UTR variant.
Genome position (GRCh38, 1-based): chr5:36,686,734, C>T. VCF-style: chr5-36686734-C-T. GRCh37 (hg19) VCF-style: chr5-36686836-C-T.
Other names: c.*465C>T (NM_001166695.3, NM_001289939.2, NM_001289940.2).
Identifiers: ClinVar variation 353335 (VCV000353335.5), dbSNP rs186288512, ClinGen allele CA10624562.